The following is an entry in ClinVar:

ClinVar aggregate classification (germline): Uncertain significance (1 of 4 stars; one submission).

Conditions:
KMT2D-related disorder. Also called: KMT2D-Related Disorders.

Submission:

PreventionGenetics, part of Exact Sciences
Classification: Uncertain significance for KMT2D-related condition. Last evaluated: 2026-04-24. Review status: criteria provided, single submitter. Criteria: ACMG Guidelines, 2015. Collection method: clinical testing. Allele origin: germline.
Comment: The KMT2D c.2404G>C variant is predicted to result in the amino acid substitution p.Glu802Gln. To our knowledge, this variant has not been reported in the literature or in a large population database (gnomAD), indicating this variant is rare. At this time, the clinical significance of this variant is uncertain due to the absence of conclusive functional and genetic evidence.

NM_003482.4(KMT2D):c.2404G>C (p.Glu802Gln)

Gene: KMT2D (lysine methyltransferase 2D; minus strand). Cytogenetic location: 12q13.12.
Variant type: single nucleotide variant.
Coding change: c.2404G>C on transcript NM_003482.4 (MANE Select); coding-DNA position 2404, G replaced by C.
Protein change: p.Glu802Gln; replaces glutamic acid 802 with glutamine.
Molecular consequence: missense variant.
Genome position (GRCh38, 1-based): chr12:49,051,279, C>G on the plus strand (G>C on the coding strand, the complement: KMT2D is on the minus strand). VCF-style: chr12-49051279-C-G. GRCh37 (hg19) VCF-style: chr12-49445062-C-G.
Other names: short protein forms E802Q.
Identifiers: ClinVar variation 4984048 (VCV004984048.1).